The following is an entry in ClinVar:

NM_024996.7(GFM1):c.409del (p.Val137fs)

Gene: GFM1 (G elongation factor mitochondrial 1; plus strand). Cytogenetic location: 3q25.32.
Variant type: Deletion.
Coding change: c.409del on transcript NM_024996.7 (MANE Select); coding-DNA position 409, one base deleted (G; older notation c.409delG).
Protein change: p.Val137fs; shifts the reading frame from valine 137.
Molecular consequence: frameshift variant. On other transcripts: non-coding transcript variant (3), intron variant (4).
Genome position (GRCh38, 1-based): chr3:158,646,784, G deleted. VCF-style (leftmost placement, unchanged base first): chr3-158646783-AG-A. GRCh37 (hg19) VCF-style: chr3-158364572-AG-A.
Other names: c.409del, p.Val137fs (NM_001308164.2, NM_001308166.2, NM_001374355.1 and 1 more transcripts); c.184del, p.Val62fs (NM_001374357.1); c.5+1003del (NM_001374359.1, NM_001374360.1, NM_001374361.1); c.234+1003del (NM_001374358.1); short protein forms V137fs, V62fs.
Identifiers: ClinVar variation 4816185 (VCV004816185.1).
Genomic context (GRCh38, chr3:158,646,783, plus strand): 5'-TCATACTTCATCTTATTCAGGGCATGTGGACTTCACAATAGAAGTGGAAAGGGCCCTGAG[AG>A]TGTTGGATGGTGCAGTCCTTGTTCTCTGTGCTGTTGGAGGGGTACAGTGCCAGACCATGA-3'

ClinVar aggregate classification (germline): Likely pathogenic (1 of 4 stars; one submission).

Conditions:
Hepatoencephalopathy due to combined oxidative phosphorylation defect type 1. Also called: HEPATOENCEPHALOPATHY, EARLY FATAL PROGRESSIVE. Identifiers: Orphanet 137681, MedGen C1836797, MONDO:0012191, OMIM 609060.

Submission:

Natera, Inc.
Classification: Likely pathogenic for Combined oxidative phosphorylation deficiency 1. Last evaluated: 2024-03-27. Review status: criteria provided, single submitter. Criteria: Natera Variant Classification Schema (03/2026). Collection method: clinical testing. Allele origin: germline.
Comment: The c.409delG variant in GFM1 is a frameshift variant predicted to shift the reading frame beginning at codon 137 and leads to a stop codon 20 codons downstream. This variant is expected to result in nonsense mediated decay, truncation, or a dysfunctional protein product. This variant is rare in the general population with a frequency below the threshold expected for the associated phenotype(s). Given the available evidence, this variant is classified as Likely Pathogenic.